The following is an entry in ClinVar:

NM_001134831.2(AHI1):c.3342A>G (p.Glu1114=)

Gene: AHI1 (Abelson helper integration site 1; minus strand). Cytogenetic location: 6q23.3.
Variant type: single nucleotide variant.
Coding change: c.3342A>G on transcript NM_001134831.2 (MANE Select); coding-DNA position 3342, A replaced by G.
Protein change: p.Glu1114=; no amino-acid change (glutamic acid 1114 retained).
Molecular consequence: synonymous variant.
Genome position (GRCh38, 1-based): chr6:135,318,603, T>C on the plus strand (A>G on the coding strand, the complement: AHI1 is on the minus strand). VCF-style: chr6-135318603-T-C. GRCh37 (hg19) VCF-style: chr6-135639741-T-C.
Other names: c.3342A>G, p.Glu1114= (NM_001134830.2, NM_001350503.2, NM_001350504.2 and 1 more transcripts).
Identifiers: ClinVar variation 696678 (VCV000696678.13), dbSNP rs199708272, ClinGen allele CA4012032.

ClinVar aggregate classification (germline): Likely benign. Review status: criteria provided, multiple submitters, no conflicts (2 of 4 stars). 5 submissions from 5 submitters: Likely benign (5). Last evaluated 2026-07-27.

Conditions:
Joubert syndrome 3 (JBTS3). Also called: AHI1-related Ciliopathy. Identifiers: Orphanet 220493, MedGen C1837713, MONDO:0012078, OMIM 608629.
Joubert syndrome. Also called: Familial aplasia of the vermis; JOUBERT-BOLTSHAUSER SYNDROME. Identifiers: Orphanet 475, MedGen C5979921, MONDO:0018772.
AHI1-related disorder. Also called: AHI1-related condition.

Allele frequency attached by ClinVar (database versions not stated): gnomAD exomes 0.00003 and 0.00011; ESP Exome Variant Server 0.00025; ExAC 0.00026; gnomAD 0.00039 and 0.00041; TOPMed 0.00042; 1000 Genomes Project 30x 0.00062; 1000 Genomes Project 0.00080.
gnomAD v4.1: 107 of 1,602,394 alleles (0.0067%); highest among the groups gnomAD compares: African/African-American, 0.13%; no homozygotes.

Submissions (5):

PreventionGenetics, part of Exact Sciences
Classification: Likely benign for AHI1-related condition. Last evaluated: 2026-07-27. Review status: criteria provided, single submitter. Criteria: ACMG Guidelines, 2015. Collection method: clinical testing. Allele origin: germline.
Comment: This variant is classified as likely benign based on ACMG/AMP sequence variant interpretation guidelines (Richards et al. 2015 PMID: 25741868, with internal and published modifications).

Labcorp Genetics (formerly Invitae), Labcorp
Classification: Likely benign for Joubert syndrome. Last evaluated: 2025-11-23. Review status: criteria provided, single submitter. Criteria: Invitae Variant Classification Sherloc (09022015). Collection method: clinical testing. Allele origin: germline.

Blueprint Genetics
Classification: Likely benign. Last evaluated: 2024-03-11. Review status: criteria provided, single submitter. Criteria: ACMG Guidelines, 2015. Collection method: clinical testing. Allele origin: germline.

Fulgent Genetics
Classification: Likely benign for Joubert syndrome 3. Last evaluated: 2021-10-23. Review status: criteria provided, single submitter. Criteria: ACMG Guidelines, 2015. Collection method: clinical testing. Allele origin: unknown.

Illumina Laboratory Services, Illumina
Classification: Likely benign for Joubert syndrome 3. Last evaluated: 2017-04-28. Review status: criteria provided, single submitter. Criteria: ICSL Variant Classification Criteria 13 December 2019. Collection method: clinical testing. Allele origin: germline.
Comment: This variant was observed as part of a predisposition screen in an ostensibly healthy population. A literature search was performed for the gene, cDNA change, and amino acid change (where applicable). No publications were found based on this search. Allele frequency data from public databases allowed determination this variant is unlikely to cause disease. Therefore, this variant is classified as likely benign.